The following is an entry in ClinVar:

NM_001042492.3(NF1):c.7870-26G>A

Gene: NF1 (neurofibromin 1; plus strand). Cytogenetic location: 17q11.2.
Variant type: single nucleotide variant.
Coding change: c.7870-26G>A on transcript NM_001042492.3 (MANE Select); 26 bases into the intron before coding-DNA position 7870, G replaced by A.
Molecular consequence: intron variant.
Genome position (GRCh38, 1-based): chr17:31,357,243, G>A. VCF-style: chr17-31357243-G-A. GRCh37 (hg19) VCF-style: chr17-29684261-G-A.
Other names: c.7807-26G>A (NM_000267.4).
Identifiers: ClinVar variation 4988548 (VCV004988548.1).

ClinVar aggregate classification (germline): Likely benign (1 of 4 stars; one submission).

Conditions:
NF1-related disorder. Also called: NF1-related condition. Identifiers: MedGen CN379171.

gnomAD v4.1: 3 of 1,600,862 alleles (0.00019%); highest among the groups gnomAD compares: Admixed American, 0.0017%; no homozygotes.

Submission:

PreventionGenetics, part of Exact Sciences
Classification: Likely benign for NF1-related condition. Last evaluated: 2026-03-11. Review status: criteria provided, single submitter. Criteria: ACMG Guidelines, 2015. Collection method: clinical testing. Allele origin: germline.
Comment: This variant is classified as likely benign based on ACMG/AMP sequence variant interpretation guidelines (Richards et al. 2015 PMID: 25741868, with internal and published modifications).